The following is an entry in ClinVar:

ClinVar aggregate classification (germline): Uncertain significance (1 of 4 stars; one submission).

Conditions:
MEGF10-related myopathy (CMYO10A). Also called: Congenital myopathy 10A, severe variant. Identifiers: Orphanet 439212, MedGen C3280679, MONDO:0013731, OMIM 614399.

Submission:

Labcorp Genetics (formerly Invitae), Labcorp
Classification: Uncertain significance for MEGF10-related myopathy. Last evaluated: 2023-07-07. Review status: criteria provided, single submitter. Criteria: Invitae Variant Classification Sherloc (09022015). Collection method: clinical testing. Allele origin: germline.
Comment: In summary, the available evidence is currently insufficient to determine the role of this variant in disease. Therefore, it has been classified as a Variant of Uncertain Significance. Advanced modeling of protein sequence and biophysical properties (such as structural, functional, and spatial information, amino acid conservation, physicochemical variation, residue mobility, and thermodynamic stability) performed at Invitae indicates that this missense variant is not expected to disrupt MEGF10 protein function. ClinVar contains an entry for this variant (Variation ID: 1466750). This variant has not been reported in the literature in individuals affected with MEGF10-related conditions. This variant is not present in population databases (gnomAD no frequency). This sequence change replaces proline, which is neutral and non-polar, with alanine, which is neutral and non-polar, at codon 402 of the MEGF10 protein (p.Pro402Ala).

NM_001256545.2(MEGF10):c.1204C>G (p.Pro402Ala)

Gene: MEGF10 (multiple EGF like domains 10; plus strand). Cytogenetic location: 5q23.2.
Variant type: single nucleotide variant.
Coding change: c.1204C>G on transcript NM_001256545.2 (MANE Select); coding-DNA position 1204, C replaced by G.
Protein change: p.Pro402Ala; replaces proline 402 with alanine.
Molecular consequence: missense variant.
Genome position (GRCh38, 1-based): chr5:127,417,711, C>G. VCF-style: chr5-127417711-C-G. GRCh37 (hg19) VCF-style: chr5-126753403-C-G.
Other names: c.1204C>G, p.Pro402Ala (NM_001308119.2, NM_001308121.2, NM_032446.3); short protein forms P402A.
Identifiers: ClinVar variation 1466750 (VCV001466750.8), dbSNP rs2126967681, ClinGen allele CA360728031.